The following is an entry in ClinVar:

ClinVar aggregate classification (germline): Uncertain significance (1 of 4 stars; one submission).

Submission:

Labcorp Genetics (formerly Invitae), Labcorp
Classification: Uncertain significance. Last evaluated: 2021-12-12. Review status: criteria provided, single submitter. Criteria: Invitae Variant Classification Sherloc (09022015). Collection method: clinical testing. Allele origin: germline.
Comment: In summary, the available evidence is currently insufficient to determine the role of this variant in disease. Therefore, it has been classified as a Variant of Uncertain Significance. Experimental studies and prediction algorithms are not available or were not evaluated, and the functional significance of this variant is currently unknown. This variant has not been reported in the literature in individuals affected with RPS20-related conditions. This variant is not present in population databases (gnomAD no frequency). This variant, c.141_146del, results in the deletion of 2 amino acid(s) of the RPS20 protein (p.Asn47_Leu48del), but otherwise preserves the integrity of the reading frame.

NM_001023.4(RPS20):c.141_146del (p.Asn47_Leu48del)

Gene: RPS20 (ribosomal protein S20; minus strand). Cytogenetic location: 8q12.1.
Variant type: Deletion.
Coding change: c.141_146del on transcript NM_001023.4 (MANE Select); coding-DNA positions 141 to 146, 6 bases deleted (TCTCAA; older notation c.141_146delTCTCAA).
Protein change: p.Asn47_Leu48del.
Molecular consequence: inframe deletion.
Genome position (GRCh38, 1-based): chr8:56,073,726-56,073,731, TTGAGA deleted on the plus strand (TCTCAA on the coding strand, the reverse complement: RPS20 is on the minus strand); deleting any 6 consecutive bases within chr8:56,073,726-56,073,733 gives the same sequence; the c. name uses the placement nearest the transcript's 3' end. VCF-style (leftmost placement, unchanged base first): chr8-56073725-TTTGAGA-T. GRCh37 (hg19) VCF-style: chr8-56986284-TTTGAGA-T.
Other names: c.141_146del, p.Asn47_Leu48del (NM_001146227.3).
Identifiers: ClinVar variation 2159028 (VCV002159028.4), dbSNP rs2486983962, ClinGen allele CA2580078399.